The following is an entry in ClinVar:

NM_001098.3(ACO2):c.1796_1797inv (p.Ala599Glu)

Genes: ACO2 (aconitase 2; plus strand), POLR3H (RNA polymerase III subunit H; minus strand). Cytogenetic location: 22q13.2.
Variant type: Inversion.
Coding change: c.1796_1797inv on transcript NM_001098.3 (MANE Select).
Protein change: p.Ala599Glu; replaces alanine 599 with glutamic acid.
Molecular consequence: missense variant. On other transcripts: 3 prime UTR variant (5).
Genome position: GRCh38 VCF-style: chr22-41526296-CT-AG. GRCh37 (hg19) VCF-style: chr22-41922300-CT-AG.
Other names: c.*2986_*2987inv (NM_001018050.4, NM_001018052.4, NM_001282884.2 and 2 more transcripts); c.1796_1797delinsAG (NM_001098.3); short protein forms A599E.
Identifiers: ClinVar variation 4688579 (VCV004688579.1).
Genomic context (GRCh38, chr22:41,526,296, plus strand): 5'-TCTGTCCTCTCTACTTACCACCCAAGGTCAAAGGGAAGTGTACCACTGACCACATCTCAG[CT>AG]GCTGGCCCCTGGCTCAAGTTCCGTGGGCACTTGGATAACATCTCCAACAACCTGCTCATT-3'
Protein context (NP_001089.1, residues 589-609): KGKCTTDHIS[Ala599Glu]AGPWLKFRGH

ClinVar aggregate classification (germline): Uncertain significance (1 of 4 stars; one submission).

Submission:

Women's Health and Genetics/Laboratory Corporation of America, LabCorp
Classification: Uncertain significance. Last evaluated: 2025-12-04. Review status: criteria provided, single submitter. Criteria: LabCorp Variant Classification Summary - May 2015. Collection method: clinical testing. Allele origin: germline.
Comment: Variant summary: ACO2 c.1796_1797delinsAG (p.Ala599Glu) results in a non-conservative amino acid change located in the swivel domain (IPR000573) of the encoded protein sequence. Algorithms developed to predict the effect of missense changes on protein structure and function are either unavailable or do not agree on the potential impact of this missense change. This (multi-nucleotide) variant allele was found at a frequency of 4e-06 in ~251,000 control chromosomes (gnomAD v2.1). The available data on variant occurrences in the general population are insufficient to allow any conclusion about variant significance. To our knowledge, no occurrence of c.1796_1797delinsAG in individuals affected with ACO2-related conditions and no experimental evidence demonstrating its impact on protein function have been reported. However, this variant occurs in an evolutionarily highly conserved region (see e.g. PMID 2935873), and multiple nearby missense variants have been reported in affected individuals (HGMD). No submitters have cited clinical-significance assessments for this variant to ClinVar. Based on the evidence outlined above, the variant was classified as uncertain significance.